The following is an entry in ClinVar:

ClinVar aggregate classification (germline): Benign/Likely benign. Review status: criteria provided, multiple submitters, no conflicts (2 of 4 stars). 8 submissions from 8 submitters: Benign (1); Likely benign (5). 2 of the submissions do not count toward it. Last evaluated 2026-01-19.

Allele frequency attached by ClinVar (database versions not stated): TOPMed 0.00027; gnomAD 0.00061 and 0.00081; 1000 Genomes Project 30x 0.00172; ESP Exome Variant Server 0.00023; 1000 Genomes Project 0.00200; gnomAD exomes 0.00132.
gnomAD v4.1: 1,299 of 1,608,340 alleles (0.081%); highest among the groups gnomAD compares: East Asian, 1.2%; 11 homozygotes.

Submissions (8):

Labcorp Genetics (formerly Invitae), Labcorp
Classification: Benign. Last evaluated: 2026-01-19. Review status: criteria provided, single submitter. Criteria: Invitae Variant Classification Sherloc (09022015). Collection method: clinical testing. Allele origin: germline.

Blueprint Genetics
Classification: Likely benign. Last evaluated: 2024-11-27. Review status: criteria provided, single submitter. Criteria: ACMG Guidelines, 2015. Collection method: clinical testing. Allele origin: germline.

CeGaT Center for Human Genetics Tuebingen
Classification: Likely benign. Last evaluated: 2024-07-01. Review status: criteria provided, single submitter. Criteria: CeGaT Center For Human Genetics Tuebingen Variant Classification Criteria Version 2. Collection method: clinical testing. Allele origin: germline. Affected: yes. Observed: 1 variant allele.
Comment: PDZD7: BP4, BP7, BS2

GeneDx
Classification: Likely benign. Last evaluated: 2020-05-05. Review status: criteria provided, single submitter. Criteria: GeneDx Variant Classification Process June 2021. Collection method: clinical testing. Allele origin: germline. Affected: yes.

Laboratory for Molecular Medicine, Mass General Brigham Personalized Medicine
Classification: Likely benign. Last evaluated: 2012-04-30. Review status: criteria provided, single submitter. Criteria: LMM Criteria. Collection method: clinical testing. Allele origin: germline. Observed: 1 variant allele.
Comment: Asn52Asn in Exon 02 of PDZD7: This variant is not expected to have clinical sign ificance because it does not alter an amino acid residue, is not located within the splice consensus sequence, and has been identified in 3/7020 European Americ an chromosomes from a broad population by the NHLBI Exome Sequencing Project (dbSNP rs150917752).

Breakthrough Genomics
Classification: Likely benign. Review status: criteria provided, single submitter. Criteria: ACMG Guidelines, 2015. Collection method: not provided. Allele origin: germline. Inheritance: Autosomal recessive inheritance. Affected: yes.

Clinical Genetics DNA and cytogenetics Diagnostics Lab, Erasmus MC, Erasmus Medical Center
Classification: Likely benign. Review status: no assertion criteria provided. Collection method: clinical testing. Allele origin: germline. Affected: yes. Study: VKGL Data-share Consensus. Not counted in ClinVar's aggregate classification.

Clinical Genetics, Academic Medical Center
Classification: Benign. Review status: no assertion criteria provided. Collection method: clinical testing. Allele origin: germline. Affected: yes. Study: VKGL Data-share Consensus. Not counted in ClinVar's aggregate classification.

NM_001195263.2(PDZD7):c.156C>T (p.Asn52=)

Gene: PDZD7 (PDZ domain containing 7; minus strand). Cytogenetic location: 10q24.31.
Variant type: single nucleotide variant.
Coding change: c.156C>T on transcript NM_001195263.2 (MANE Select); coding-DNA position 156, C replaced by T.
Protein change: p.Asn52=; no amino-acid change (asparagine 52 retained).
Molecular consequence: synonymous variant.
Genome position (GRCh38, 1-based): chr10:101,030,064, G>A on the plus strand (C>T on the coding strand, the complement: PDZD7 is on the minus strand). VCF-style: chr10-101030064-G-A. GRCh37 (hg19) VCF-style: chr10-102789821-G-A.
Other names: c.156C>T, p.Asn52= (NM_001351044.2, NM_024895.5).
Identifiers: ClinVar variation 46208 (VCV000046208.41), dbSNP rs150917752, ClinGen allele CA137874.